The following is an entry in ClinVar:

NM_018671.5(UNC45A):c.1591C>T (p.Arg531Ter)

Gene: UNC45A (unc-45 myosin chaperone A; plus strand). Cytogenetic location: 15q26.1.
Variant type: single nucleotide variant.
Coding change: c.1591C>T on transcript NM_018671.5 (MANE Select); coding-DNA position 1591, C replaced by T.
Protein change: p.Arg531Ter; replaces arginine 531 with a stop codon.
Molecular consequence: nonsense.
Genome position (GRCh38, 1-based): chr15:90,947,886, C>T. VCF-style: chr15-90947886-C-T. GRCh37 (hg19) VCF-style: chr15-91491116-C-T.
Other names: c.1546C>T, p.Arg516Ter (NM_001039675.2, NM_001323621.2); c.1591C>T, p.Arg531Ter (NM_001323619.1); c.1156C>T, p.Arg386Ter (NM_001323620.2); short protein forms R531*, R516*, R386*.
Identifiers: ClinVar variation 1463052 (VCV001463052.3), dbSNP rs547532144, ClinGen allele CA7742960.
Genomic context (GRCh38, chr15:90,947,886, plus strand): 5'-ACTGACTTCAGCATGAAGCAGTTTGCTGAAGGCTCCACTCTCAAACTGGCTAAGCAGTGT[C>T]GAAAGTGAGTCATCTGGCCTTGCTGTGGTTCCCCACCTGTGGGGTAGATCTCAAGACACA-3'

ClinVar aggregate classification (germline): Uncertain significance (1 of 4 stars; one submission).

Allele frequency attached by ClinVar (database versions not stated): gnomAD 0.00002; ExAC 0.00003; gnomAD exomes 0.00003 and 0.00004; TOPMed 0.00003.
gnomAD v4.1: 44 of 1,613,146 alleles (0.0027%); highest among the groups gnomAD compares: South Asian, 0.0055%; no homozygotes.

Submission:

Labcorp Genetics (formerly Invitae), Labcorp
Classification: Uncertain significance. Last evaluated: 2022-05-05. Review status: criteria provided, single submitter. Criteria: Invitae Variant Classification Sherloc (09022015). Collection method: clinical testing. Allele origin: germline.
Comment: This sequence change creates a premature translational stop signal (p.Arg531*) in the UNC45A gene. It is expected to result in an absent or disrupted protein product. However, the current clinical and genetic evidence is not sufficient to establish whether loss-of-function variants in UNC45A cause disease. This variant is present in population databases (rs547532144, gnomAD 0.01%). This variant has not been reported in the literature in individuals affected with UNC45A-related conditions. In summary, the available evidence is currently insufficient to determine the role of this variant in disease. Therefore, it has been classified as a Variant of Uncertain Significance.